The following is an entry in ClinVar:

ClinVar aggregate classification (germline): Likely benign (1 of 4 stars; one submission).

Allele frequency attached by ClinVar (database versions not stated): TOPMed 0.00015; gnomAD 0.00023; gnomAD exomes 0.00025; ExAC 0.00046; 1000 Genomes Project 0.00080; 1000 Genomes Project 30x 0.00109.
gnomAD v4.1: 385 of 1,552,080 alleles (0.025%); highest among the groups gnomAD compares: South Asian, 0.062%; 1 homozygote.

Submission:

CeGaT Center for Human Genetics Tuebingen
Classification: Likely benign. Last evaluated: 2023-01-01. Review status: criteria provided, single submitter. Criteria: CeGaT Center For Human Genetics Tuebingen Variant Classification Criteria Version 2. Collection method: clinical testing. Allele origin: germline. Affected: yes. Observed: 1 variant allele.
Comment: TOP6BL: BP4, BP7

NM_001302084.2(TOP6BL):c.987A>G (p.Ser329=)

Gene: TOP6BL (TOP6B like initiator of meiotic double strand breaks; plus strand). Cytogenetic location: 11q13.2.
Variant type: single nucleotide variant.
Coding change: c.987A>G on transcript NM_001302084.2 (MANE Select); coding-DNA position 987, A replaced by G.
Protein change: p.Ser329=; no amino-acid change (serine 329 retained).
Molecular consequence: synonymous variant.
Genome position (GRCh38, 1-based): chr11:66,822,587, A>G. VCF-style: chr11-66822587-A-G. GRCh37 (hg19) VCF-style: chr11-66590058-A-G.
Other names: c.1335A>G, p.Ser445= (NM_024650.4).
Identifiers: ClinVar variation 2642008 (VCV002642008.24), dbSNP rs182460002, ClinGen allele CA6130150.